The following is an entry in ClinVar:

NM_001378778.1(MPDZ):c.4561G>C (p.Gly1521Arg)

Gene: MPDZ (multiple PDZ domain crumbs cell polarity complex component; minus strand). Cytogenetic location: 9p23.
Variant type: single nucleotide variant.
Coding change: c.4561G>C on transcript NM_001378778.1 (MANE Select); coding-DNA position 4561, G replaced by C.
Protein change: p.Gly1521Arg; replaces glycine 1521 with arginine.
Molecular consequence: missense variant.
Genome position (GRCh38, 1-based): chr9:13,126,587, C>G on the plus strand (G>C on the coding strand, the complement: MPDZ is on the minus strand). VCF-style: chr9-13126587-C-G. GRCh37 (hg19) VCF-style: chr9-13126586-C-G.
Other names: c.4462G>C, p.Gly1488Arg (NM_001261406.2, NM_001261407.2, NM_001375416.1 and 3 more transcripts); c.4561G>C, p.Gly1521Arg (NM_001330637.2, NM_003829.5); c.4660G>C, p.Gly1554Arg (NM_001375413.1); c.4351G>C, p.Gly1451Arg (NM_001375420.1, NM_001375421.1, NM_001375422.1 and 4 more transcripts); c.4153G>C, p.Gly1385Arg (NM_001375427.1); short protein forms G1385R, G1451R, G1488R, G1521R, G1554R.
Identifiers: ClinVar variation 3393214 (VCV003393214.3).

ClinVar aggregate classification (germline): Uncertain significance. Review status: criteria provided, multiple submitters, no conflicts (2 of 4 stars). 2 submissions from 2 submitters: Uncertain significance (2). Last evaluated 2024-12-19.

Conditions:
Hydrocephalus, nonsyndromic, autosomal recessive 2. Also called: Hydrocephalus, congenital, 2, with or without brain or eye anomalies. Identifiers: Orphanet 2185, MedGen C3554691, MONDO:0014085, OMIM 615219.

Submissions (2):

Genomic Medicine Center of Excellence, King Faisal Specialist Hospital and Research Centre
Classification: Uncertain significance for Hydrocephalus, nonsyndromic, autosomal recessive 2. Last evaluated: 2024-12-19. Review status: criteria provided, single submitter. Criteria: ACMG Guidelines, 2015. Collection method: clinical testing. Allele origin: germline.

Labcorp Genetics (formerly Invitae), Labcorp
Classification: Uncertain significance. Last evaluated: 2024-08-29. Review status: criteria provided, single submitter. Criteria: Invitae Variant Classification Sherloc (09022015). Collection method: clinical testing. Allele origin: germline.
Comment: This sequence change replaces glycine, which is neutral and non-polar, with arginine, which is basic and polar, at codon 1521 of the MPDZ protein (p.Gly1521Arg). This variant is not present in population databases (gnomAD no frequency). This variant has not been reported in the literature in individuals affected with MPDZ-related conditions. An algorithm developed to predict the effect of missense changes on protein structure and function (PolyPhen-2) suggests that this variant is likely to be disruptive. In summary, the available evidence is currently insufficient to determine the role of this variant in disease. Therefore, it has been classified as a Variant of Uncertain Significance.